The following is an entry in ClinVar:

ClinVar aggregate classification (germline): Uncertain significance. Review status: criteria provided, multiple submitters, no conflicts (2 of 4 stars). 4 submissions from 4 submitters: Uncertain significance (4). Last evaluated 2026-01-14.

Allele frequency attached by ClinVar (database versions not stated): ExAC 0.00006; gnomAD 0.00007 and 0.00008; gnomAD exomes 0.00008 and 0.00011; TOPMed 0.00010; ESP Exome Variant Server 0.00016.
gnomAD v4.1: 172 of 1,614,094 alleles (0.011%); highest among the groups gnomAD compares: Admixed American, 0.017%; no homozygotes.

Submissions (4):

Labcorp Genetics (formerly Invitae), Labcorp
Classification: Uncertain significance. Last evaluated: 2026-01-14. Review status: criteria provided, single submitter. Criteria: Invitae Variant Classification Sherloc (09022015). Collection method: clinical testing. Allele origin: germline.
Comment: This sequence change replaces glutamic acid, which is acidic and polar, with alanine, which is neutral and non-polar, at codon 811 of the RNF31 protein (p.Glu811Ala). This variant is present in population databases (rs200318503, gnomAD 0.02%). This variant has not been reported in the literature in individuals affected with RNF31-related conditions. ClinVar contains an entry for this variant (Variation ID: 1359574). An algorithm developed to predict the effect of missense changes on protein structure and function (PolyPhen-2) suggests that this variant is likely to be disruptive. In summary, the available evidence is currently insufficient to determine the role of this variant in disease. Therefore, it has been classified as a Variant of Uncertain Significance.

Blueprint Genetics
Classification: Uncertain significance. Last evaluated: 2024-11-19. Review status: criteria provided, single submitter. Criteria: ACMG Guidelines, 2015. Collection method: clinical testing. Allele origin: germline.

Mayo Clinic Laboratories, Mayo Clinic
Classification: Uncertain significance. Last evaluated: 2024-06-03. Review status: criteria provided, single submitter. Criteria: ACMG Guidelines, 2015. Collection method: clinical testing. Allele origin: germline. Observed: 1 variant allele.

Ambry Genetics
Classification: Uncertain significance. Last evaluated: 2023-12-20. Review status: criteria provided, single submitter. Criteria: Ambry Variant Classification Scheme 2023. Collection method: clinical testing. Allele origin: germline.

NM_017999.5(RNF31):c.2432A>C (p.Glu811Ala)

Gene: RNF31 (ring finger protein 31; plus strand). Cytogenetic location: 14q12.
Variant type: single nucleotide variant.
Coding change: c.2432A>C on transcript NM_017999.5 (MANE Select); coding-DNA position 2432, A replaced by C.
Protein change: p.Glu811Ala; replaces glutamic acid 811 with alanine.
Molecular consequence: missense variant.
Genome position (GRCh38, 1-based): chr14:24,155,631, A>C. VCF-style: chr14-24155631-A-C. GRCh37 (hg19) VCF-style: chr14-24624840-A-C.
Other names: p.Glu811Ala; c.1979A>C, p.Glu660Ala (NM_001310332.2); c.2432A>C (NM_017999.4); short protein forms E660A, E811A.
Identifiers: ClinVar variation 1359574 (VCV001359574.11), dbSNP rs200318503, ClinGen allele CA7126060.
Genomic context (GRCh38, chr14:24,155,631, plus strand): 5'-CCTTTGATAACTTTATGCTCTTGCACTTCCAGTGCTCCTTTGGCTTCATATATGAGCGTG[A>C]GCAGCTGGAGGCAACTTGTCCCCAGTGTCACCAGACCTTCTGTGTGCGCTGCAAGCGCCA-3'
Protein context (NP_060469.4, residues 801-821): QCSFGFIYER[Glu811Ala]QLEATCPQCH